The following is an entry in ClinVar:

NM_004064.5(CDKN1B):c.86dup (p.Cys29fs)

Gene: CDKN1B (cyclin dependent kinase inhibitor 1B; plus strand). Cytogenetic location: 12p13.1.
Variant type: Duplication.
Coding change: c.86dup on transcript NM_004064.5 (MANE Select); coding-DNA position 86, one base duplicated (G; older notation c.86dupG).
Protein change: p.Cys29fs; shifts the reading frame from cysteine 29.
Molecular consequence: frameshift variant.
Genome position (GRCh38, 1-based): chr12:12,717,925, G duplicated. VCF-style (leftmost placement, unchanged base first): chr12-12717924-T-TG. GRCh37 (hg19) VCF-style: chr12-12870858-T-TG.
Other names: short protein forms C29fs.
Identifiers: ClinVar variation 1410246 (VCV001410246.6), dbSNP rs2136355513, ClinGen allele CA2573147858.

ClinVar aggregate classification (germline): Pathogenic (1 of 4 stars; one submission).

Conditions:
Multiple endocrine neoplasia type 4. Also called: MULTIPLE ENDOCRINE NEOPLASIA, TYPE IV. Identifiers: Orphanet 276152, MedGen C1970712, MONDO:0012552, OMIM 610755.

Submission:

Labcorp Genetics (formerly Invitae), Labcorp
Classification: Pathogenic for Multiple endocrine neoplasia type 4. Last evaluated: 2021-06-07. Review status: criteria provided, single submitter. Criteria: Invitae Variant Classification Sherloc (09022015). Collection method: clinical testing. Allele origin: germline.
Comment: This variant has not been reported in the literature in individuals with CDKN1B-related conditions. For these reasons, this variant has been classified as Pathogenic. This variant is not present in population databases (ExAC no frequency). This sequence change creates a premature translational stop signal (p.Cys29Trpfs*96) in the CDKN1B gene. It is expected to result in an absent or disrupted protein product. Loss-of-function variants in CDKN1B are known to be pathogenic (PMID: 17030811, 24819502).

Literature cited by the submitters: PubMed 17030811; PubMed 24819502.